The following is an entry in ClinVar:

ClinVar aggregate classification (germline): Likely benign. Review status: criteria provided, multiple submitters, no conflicts (2 of 4 stars). 3 submissions from 3 submitters: Likely benign (3). Last evaluated 2025-07-27.

Conditions:
Ehlers-Danlos syndrome, classic type, 1 (EDSCL1). Also called: EHLERS-DANLOS SYNDROME, GRAVIS TYPE; EHLERS-DANLOS SYNDROME, SEVERE CLASSIC TYPE; Ehlers-Danlos syndrome, type 1; Ehlers-Danlos Syndrome, Classic Type, COL5A1-Related; EDS I. Identifiers: MedGen C0268335, MONDO:0019567, OMIM 130000.
Familial thoracic aortic aneurysm and aortic dissection (TAAD). Also called: Thoracic aortic aneurysms and dissections. Identifiers: Orphanet 91387, MedGen C4707243, MONDO:0019625.

Allele frequency attached by ClinVar (database versions not stated): ExAC 0.00002.
gnomAD v4.1: 12 of 1,613,198 alleles (0.00074%); highest among the groups gnomAD compares: Admixed American, 0.0033%; no homozygotes.

Submissions (3):

Labcorp Genetics (formerly Invitae), Labcorp
Classification: Likely benign for Ehlers-Danlos syndrome, classic type, 1. Last evaluated: 2025-07-27. Review status: criteria provided, single submitter. Criteria: Invitae Variant Classification Sherloc (09022015). Collection method: clinical testing. Allele origin: germline.

CeGaT Center for Human Genetics Tuebingen
Classification: Likely benign. Last evaluated: 2025-02-01. Review status: criteria provided, single submitter. Criteria: CeGaT Center For Human Genetics Tuebingen Variant Classification Criteria Version 2. Collection method: clinical testing. Allele origin: germline. Affected: yes. Observed: 1 variant allele.
Comment: COL5A1: BP4, BP7

Ambry Genetics
Classification: Likely benign for Familial thoracic aortic aneurysm and aortic dissection. Last evaluated: 2019-07-08. Review status: criteria provided, single submitter. Criteria: Ambry Variant Classification Scheme 2023. Collection method: clinical testing. Allele origin: germline.

NM_000093.5(COL5A1):c.5025C>G (p.Ala1675=)

Genes: COL5A1 (collagen type V alpha 1 chain; plus strand), LOC101448202 (uncharacterized LOC101448202; minus strand). Cytogenetic location: 9q34.3.
Variant type: single nucleotide variant.
Coding change: c.5025C>G on transcript NM_000093.5 (MANE Select); coding-DNA position 5025, C replaced by G.
Protein change: p.Ala1675=; no amino-acid change (alanine 1675 retained).
Molecular consequence: synonymous variant.
Genome position (GRCh38, 1-based): chr9:134,825,862, C>G. VCF-style: chr9-134825862-C-G. GRCh37 (hg19) VCF-style: chr9-137717708-C-G.
Other names: c.5025C>G, p.Ala1675= (NM_001278074.1).
Identifiers: ClinVar variation 1143190 (VCV001143190.25), dbSNP rs560774273, ClinGen allele CA5320538.